The following is an entry in ClinVar:

ClinVar aggregate classification (germline): Uncertain significance (1 of 4 stars; one submission).

Submission:

GeneDx
Classification: Uncertain significance. Last evaluated: 2025-05-13. Review status: criteria provided, single submitter. Criteria: GeneDx Variant Classification Process June 2021. Collection method: clinical testing. Allele origin: germline. Affected: yes.
Comment: Not observed at significant frequency in large population cohorts (gnomAD); In silico analysis suggests that this missense variant does not alter protein structure/function; Has not been previously published as pathogenic or benign to our knowledge

NM_003239.5(TGFB3):c.714C>G (p.Ile238Met)

Gene: TGFB3 (transforming growth factor beta 3; minus strand). Cytogenetic location: 14q24.3.
Variant type: single nucleotide variant.
Coding change: c.714C>G on transcript NM_003239.5 (MANE Select); coding-DNA position 714, C replaced by G.
Protein change: p.Ile238Met; replaces isoleucine 238 with methionine.
Molecular consequence: missense variant.
Genome position (GRCh38, 1-based): chr14:75,965,628, G>C on the plus strand (C>G on the coding strand, the complement: TGFB3 is on the minus strand). VCF-style: chr14-75965628-G-C. GRCh37 (hg19) VCF-style: chr14-76431971-G-C.
Other names: c.714C>G, p.Ile238Met (NM_001329938.2, NM_001329939.2); short protein forms I238M.
Identifiers: ClinVar variation 4529787 (VCV004529787.1).